The following is an entry in ClinVar:

NM_000051.4(ATM):c.4940T>G (p.Leu1647Arg)

Gene: ATM (ATM serine/threonine kinase; plus strand). Cytogenetic location: 11q22.3.
Variant type: single nucleotide variant.
Coding change: c.4940T>G on transcript NM_000051.4 (MANE Select); coding-DNA position 4940, T replaced by G.
Protein change: p.Leu1647Arg; replaces leucine 1647 with arginine.
Molecular consequence: missense variant.
Genome position (GRCh38, 1-based): chr11:108,297,317, T>G. VCF-style: chr11-108297317-T-G. GRCh37 (hg19) VCF-style: chr11-108168044-T-G.
Other names: c.4940T>G, p.Leu1647Arg (NM_001351834.2); short protein forms L1647R.
Identifiers: ClinVar variation 4681183 (VCV004681183.1).

ClinVar aggregate classification (germline): Uncertain significance (1 of 4 stars; one submission).

Conditions:
Ataxia-telangiectasia syndrome (AT). Also called: Cerebello-oculocutaneous telangiectasia; Immunodeficiency with ataxia telangiectasia; Ataxia-telangiectasia, complementation group E; Ataxia telangiectasia (A-T); LOUIS-BAR SYNDROME; Ataxia-telangiectasia, complementation group D. Identifiers: Orphanet 100, MedGen C0004135, MONDO:0008840, OMIM 208900.

Submission:

Department of Paediatrics, Damascus University
Classification: Uncertain significance for Ataxia-telangiectasia syndrome. Last evaluated: 2025-07-25. Review status: criteria provided, single submitter. Criteria: ACMG Guidelines, 2015. Collection method: provider interpretation. Allele origin: germline. Inheritance: Autosomal recessive inheritance. Affected: yes. Observed: 1 homozygote.
Comment: The variant is absent from population databases including gnomAD, ESP, and 1000 Genomes. Multiple in silico prediction tools (PolyPhen-2, SIFT, MutationTaster) support a deleterious effect on the ATM protein, and the affected residue is highly conserved. No functional studies are currently available. Based on ACMG/AMP criteria (PM2, PP3, PP4, and supporting evidence for recessive inheritance), the variant is classified as a Variant of Uncertain Significance.